The following is an entry in ClinVar:

NM_018685.5(ANLN):c.90_91delinsAA (p.Pro31Thr)

Gene: ANLN (anillin, actin binding protein; plus strand). Cytogenetic location: 7p14.2.
Variant type: Indel.
Coding change: c.90_91delinsAA on transcript NM_018685.5 (MANE Select); coding-DNA positions 90 to 91, TC replaced by AA.
Protein change: p.Pro31Thr; replaces proline 31 with threonine.
Molecular consequence: missense variant.
Genome position (GRCh38, 1-based): chr7:36,396,337-36,396,338, TC replaced by AA. VCF-style: chr7-36396337-TC-AA. GRCh37 (hg19) VCF-style: chr7-36435946-TC-AA.
Other names: c.90_91delinsAA, p.Pro31Thr (NM_001284301.3, NM_001284302.3); short protein forms P31T.
Identifiers: ClinVar variation 2091345 (VCV002091345.4), dbSNP rs2534480702, ClinGen allele CA2580077082.

ClinVar aggregate classification (germline): Uncertain significance (1 of 4 stars; one submission).

Submission:

Labcorp Genetics (formerly Invitae), Labcorp
Classification: Uncertain significance. Last evaluated: 2022-02-01. Review status: criteria provided, single submitter. Criteria: Invitae Variant Classification Sherloc (09022015). Collection method: clinical testing. Allele origin: germline.
Comment: In summary, the available evidence is currently insufficient to determine the role of this variant in disease. Therefore, it has been classified as a Variant of Uncertain Significance. Experimental studies and prediction algorithms are not available or were not evaluated, and the functional significance of this variant is currently unknown. This variant has not been reported in the literature in individuals affected with ANLN-related conditions. Information on the frequency of this variant in the gnomAD database is not available, as this variant may be reported differently in the database. This sequence change replaces proline, which is neutral and non-polar, with threonine, which is neutral and polar, at codon 31 of the ANLN protein (p.Pro31Thr).